The following is an entry in ClinVar:

ClinVar aggregate classification (germline): Benign. Review status: criteria provided, multiple submitters, no conflicts (2 of 4 stars). 9 submissions from 9 submitters: Benign (8). 1 of the submissions does not count toward it. Last evaluated 2026-02-04.

Conditions:
Disorders of Intracellular Cobalamin Metabolism. Identifiers: MedGen CN043592.
Methylcobalamin deficiency type cblE (HMAE). Also called: HOMOCYSTINURIA-MEGALOBLASTIC ANEMIA, cblE COMPLEMENTATION TYPE; HOMOCYSTINURIA-MEGALOBLASTIC ANEMIA, cblE TYPE; VITAMIN B12-RESPONSIVE HOMOCYSTINURIA, cblE TYPE. Identifiers: Orphanet 2169, Orphanet 622, MedGen C1856057, MONDO:0009354, OMIM 236270.

Allele frequency attached by ClinVar (database versions not stated): ESP Exome Variant Server 0.20306; 1000 Genomes Project 30x 0.25390; TOPMed 0.22930; 1000 Genomes Project 0.24381.
gnomAD v4.1: 222,043 of 1,613,920 alleles (14%); highest among the groups gnomAD compares: African/African-American, 38%; 20,054 homozygotes.

Submissions (9):

Labcorp Genetics (formerly Invitae), Labcorp
Classification: Benign for Methylcobalamin deficiency type cblE. Last evaluated: 2026-02-04. Review status: criteria provided, single submitter. Criteria: Invitae Variant Classification Sherloc (09022015). Collection method: clinical testing. Allele origin: germline.

Women's Health and Genetics/Laboratory Corporation of America, LabCorp
Classification: Benign. Last evaluated: 2024-11-11. Review status: criteria provided, single submitter. Criteria: LabCorp Variant Classification Summary - May 2015. Collection method: clinical testing. Allele origin: germline.

Mayo Clinic Laboratories, Mayo Clinic
Classification: Benign. Last evaluated: 2022-03-03. Review status: criteria provided, single submitter. Criteria: ACMG Guidelines, 2015. Collection method: clinical testing. Allele origin: germline. Observed: 33 variant alleles.

Genome-Nilou Lab
Classification: Benign for Methylcobalamin deficiency type cblE. Last evaluated: 2021-09-05. Review status: criteria provided, single submitter. Criteria: ACMG Guidelines, 2015. Collection method: clinical testing. Allele origin: germline. Affected: no.

Pars Genome Lab
Classification: Benign for Methylcobalamin deficiency type cblE. Last evaluated: 2021-06-19. Review status: criteria provided, single submitter. Criteria: ACMG Guidelines, 2015. Collection method: clinical testing. Allele origin: germline. Affected: no.

Illumina Laboratory Services, Illumina
Classification: Benign for Disorders of Intracellular Cobalamin Metabolism. Last evaluated: 2018-01-13. Review status: criteria provided, single submitter. Criteria: ICSL Variant Classification Criteria 13 December 2019. Collection method: clinical testing. Allele origin: germline.
Comment: This variant was observed in the ICSL laboratory as part of a predisposition screen in an ostensibly healthy population. It had not been previously curated by ICSL or reported in the Human Gene Mutation Database (HGMD: prior to June 1st, 2018), and was therefore a candidate for classification through an automated scoring system. Utilizing variant allele frequency, disease prevalence and penetrance estimates, and inheritance mode, an automated score was calculated to assess if this variant is too frequent to cause the disease. Based on the score and internal cut-off values, a variant classified as benign is not then subjected to further curation. The score for this variant resulted in a classification of benign for this disease.

GeneDx
Classification: Benign. Last evaluated: 2013-05-29. Review status: criteria provided, single submitter. Criteria: GeneDx Variant Classification (06012015). Collection method: clinical testing. Allele origin: germline. Affected: yes.
Comment: This variant is considered likely benign or benign based on one or more of the following criteria: it is a conservative change, it occurs at a poorly conserved position in the protein, it is predicted to be benign by multiple in silico algorithms, and/or has population frequency not consistent with disease.

Breakthrough Genomics
Classification: Benign. Review status: criteria provided, single submitter. Criteria: ACMG Guidelines, 2015. Collection method: not provided. Allele origin: germline. Inheritance: Autosomal recessive inheritance. Affected: yes.

Natera, Inc.
Classification: Benign for CblE complementation type homocystinuria-megaloblastic anemia due to defect in cobalamin metabolism. Last evaluated: 2020-09-16. Review status: no assertion criteria provided. Collection method: clinical testing. Allele origin: germline. Not counted in ClinVar's aggregate classification.

NM_002454.3(MTRR):c.1875G>A (p.Val625=)

Gene: MTRR (5-methyltetrahydrofolate-homocysteine methyltransferase reductase; plus strand). Cytogenetic location: 5p15.31.
Variant type: single nucleotide variant.
Coding change: c.1875G>A on transcript NM_002454.3 (MANE Select); coding-DNA position 1875, G replaced by A.
Protein change: p.Val625=; no amino-acid change (valine 625 retained).
Molecular consequence: synonymous variant. On other transcripts: non-coding transcript variant (14).
Genome position (GRCh38, 1-based): chr5:7,897,170, G>A. VCF-style: chr5-7897170-G-A. GRCh37 (hg19) VCF-style: chr5-7897283-G-A.
Other names: p.V652V:GTG>GTA; p.Val625=; c.1875G>A, p.Val625= (NM_001364440.2, NM_001364441.2, NM_001364442.2 and 1 more transcripts).
Identifiers: ClinVar variation 138301 (VCV000138301.21), dbSNP rs12347, ClinGen allele CA292237.